The following is an entry in ClinVar:

NM_000503.6(EYA1):c.640-15_698del

Gene: EYA1 (EYA transcriptional coactivator and phosphatase 1; minus strand). Cytogenetic location: 8q13.3.
Variant type: Deletion.
Coding change: c.640-15_698del on transcript NM_000503.6 (MANE Select); 15 bases into the intron before coding-DNA position 640 through coding-DNA position 698, 74 bases deleted.
Molecular consequence: splice acceptor variant.
Genome position (GRCh38, 1-based): chr8:71,299,175-71,299,248, 74 bases deleted. GRCh37 (hg19): chr8:72,211,410-72,211,483.
Other names: c.709-15_767del (NM_001370336.1); c.727-15_785del (NM_001370333.1); c.640-15_698del (NM_001370335.1, NM_001370334.1, NM_172058.4); c.712-15_770del (NM_172059.5); c.274-15_332del (NM_001288575.2); c.622-15_680del (NM_001288574.2).
Identifiers: ClinVar variation 459256 (VCV000459256.12), dbSNP rs1554541834, ClinGen allele CA658656017.

ClinVar aggregate classification (germline): Pathogenic/Likely pathogenic. Review status: criteria provided, multiple submitters, no conflicts (2 of 4 stars). 2 submissions from 2 submitters: Pathogenic (1); Likely pathogenic (1). Last evaluated 2022-08-01.

Conditions:
Melnick-Fraser syndrome (BOR). Also called: Branchiootorenal syndrome; Branchiootorenal Syndrome (BORS); Branchio-oto-renal syndrome. Identifiers: Orphanet 107, MedGen C0265234, MONDO:0007029.

Submissions (2):

GeneDx
Classification: Likely pathogenic. Last evaluated: 2022-08-01. Review status: criteria provided, single submitter. Criteria: GeneDx Variant Classification Process June 2021. Collection method: clinical testing. Allele origin: germline. Affected: yes.
Comment: Canonical splice site variant predicted to result in a null allele in a gene for which loss-of-function is a known mechanism of disease; Not observed at significant frequency in large population cohorts (gnomAD); This variant is associated with the following publications: (PMID: 8092198, 1478663, 12404110)

Labcorp Genetics (formerly Invitae), Labcorp
Classification: Pathogenic for Melnick-Fraser syndrome. Last evaluated: 2022-04-14. Review status: criteria provided, single submitter. Criteria: Invitae Variant Classification Sherloc (09022015). Collection method: clinical testing. Allele origin: germline.
Comment: For these reasons, this variant has been classified as Pathogenic. This variant is also known as a deletion starting in intron 6 and extending into exon 7. This variant has been observed in individuals with EYA1-related conditions (PMID: 12404110; Invitae). This variant is not present in population databases (gnomAD no frequency). This variant results in the deletion of the intron 8 - exon 9 junction (c.640-15_698del) of the EYA1 gene. It is expected to disrupt RNA splicing. Variants that disrupt the donor or acceptor splice site typically lead to a loss of protein function (PMID: 16199547), and loss-of-function variants in EYA1 are known to be pathogenic (PMID: 10464653, 18220287). Algorithms developed to predict the effect of sequence changes on RNA splicing suggest that this variant may disrupt the consensus splice site. ClinVar contains an entry for this variant (Variation ID: 459256).

Literature cited by the submitters: PubMed 12404110 (cited by Labcorp Genetics (formerly Invitae), Labcorp); PubMed 16199547 (cited by Labcorp Genetics (formerly Invitae), Labcorp); PubMed 10464653 (cited by Labcorp Genetics (formerly Invitae), Labcorp); PubMed 18220287 (cited by Labcorp Genetics (formerly Invitae), Labcorp).